The following is an entry in ClinVar:

ClinVar aggregate classification (germline): Pathogenic (1 of 4 stars; one submission).

Conditions:
Hereditary nonpolyposis colorectal neoplasms. Identifiers: MedGen C0009405, MeSH D003123.

Submission:

Labcorp Genetics (formerly Invitae), Labcorp
Classification: Pathogenic for Hereditary nonpolyposis colorectal neoplasms. Last evaluated: 2022-10-25. Review status: criteria provided, single submitter. Criteria: Invitae Variant Classification Sherloc (09022015). Collection method: clinical testing. Allele origin: germline.
Comment: This variant is a gross deletion of the genomic region encompassing exon(s) 2-4 of the MSH6 gene. This deletion is out-of-frame, and is expected to create a premature termination codon and result in an absent or disrupted protein product. Loss-of-function variants in MSH6 are known to be pathogenic (PMID: 18269114, 24362816). This variant has not been reported in the literature in individuals affected with MSH6-related conditions. For these reasons, this variant has been classified as Pathogenic.

Literature cited by the submitters: PubMed 18269114; PubMed 24362816.

NC_000002.12:g.(?_47790917)_(47801165_?)del

Gene: MSH6 (mutS homolog 6; plus strand). Cytogenetic location: 2p16.3.
Variant type: Deletion.
Identifiers: ClinVar variation 584034 (VCV000584034.3).